The following is an entry in ClinVar:

ClinVar aggregate classification (germline): Uncertain significance (1 of 4 stars; one submission).

Submission:

Women's Health and Genetics/Laboratory Corporation of America, LabCorp
Classification: Uncertain significance. Last evaluated: 2024-09-26. Review status: criteria provided, single submitter. Criteria: LabCorp Variant Classification Summary - May 2015. Collection method: clinical testing. Allele origin: germline.
Comment: Variant summary: CDC42BPB c.2726G>C (p.Ser909Thr) results in a conservative amino acid change located in the Myotonic dystrophy protein kinase, coiled coil (IPR014930) of the encoded protein sequence. Three of five in-silico tools predict a benign effect of the variant on protein function. Several computational tools predict a significant impact on normal splicing: Three predict the variant abolishes a 5' splicing donor site. One predict the variant weakens a 5' donor site. However, these predictions have yet to be confirmed by functional studies. The variant was absent in 250814 control chromosomes. The available data on variant occurrences in the general population are insufficient to allow any conclusion about variant significance. To our knowledge, no occurrence of c.2726G>C in individuals affected with Chilton-Okur Neurodevelopmental Syndrome and no experimental evidence demonstrating its impact on protein function have been reported. No submitters have cited clinical-significance assessments for this variant to ClinVar. Based on the evidence outlined above, the variant was classified as uncertain significance.

NM_006035.4(CDC42BPB):c.2726G>C (p.Ser909Thr)

Gene: CDC42BPB (CDC42 binding protein kinase beta; minus strand). Cytogenetic location: 14q32.32.
Variant type: single nucleotide variant.
Coding change: c.2726G>C on transcript NM_006035.4 (MANE Select); coding-DNA position 2726, G replaced by C.
Protein change: p.Ser909Thr; replaces serine 909 with threonine.
Molecular consequence: missense variant.
Genome position (GRCh38, 1-based): chr14:102,964,502, C>G on the plus strand (G>C on the coding strand, the complement: CDC42BPB is on the minus strand). VCF-style: chr14-102964502-C-G. GRCh37 (hg19) VCF-style: chr14-103430839-C-G.
Other names: c.2726G>C, p.Ser909Thr (NM_001411054.1); short protein forms S909T.
Identifiers: ClinVar variation 3375184 (VCV003375184.1).